The following is an entry in ClinVar:

NM_012463.4(ATP6V0A2):c.1529G>T (p.Arg510Ile)

Gene: ATP6V0A2 (ATPase H+ transporting V0 subunit a2; plus strand). Cytogenetic location: 12q24.31.
Variant type: single nucleotide variant.
Coding change: c.1529G>T on transcript NM_012463.4 (MANE Select); coding-DNA position 1529, G replaced by T.
Protein change: p.Arg510Ile; replaces arginine 510 with isoleucine.
Molecular consequence: missense variant.
Genome position (GRCh38, 1-based): chr12:123,744,896, G>T. VCF-style: chr12-123744896-G-T. GRCh37 (hg19) VCF-style: chr12-124229443-G-T.
Other names: short protein forms R510I.
Identifiers: ClinVar variation 3339571 (VCV003339571.1).
Genomic context (GRCh38, chr12:123,744,896, plus strand): 5'-CCTTCCTCCTCCCAGGTCAGCCTCCTCACTCTGCTTTTTGTTACAGTGACAGCGTCGTTA[G>T]ACACAACAGCATTTTGCAGCTGGATCCAAGCATTCCTGGAGTGTTCCGAGGCCCTTATCC-3'
Protein context (NP_036595.2, residues 500-520): KMVLWNDSVV[Arg510Ile]HNSILQLDPS

ClinVar aggregate classification (germline): Uncertain significance (1 of 4 stars; one submission).

gnomAD v4.1: 15 of 1,614,212 alleles (0.00093%); highest among the groups gnomAD compares: Non-Finnish European, 0.0013%; no homozygotes.

Submission:

Women's Health and Genetics/Laboratory Corporation of America, LabCorp
Classification: Uncertain significance. Last evaluated: 2024-06-12. Review status: criteria provided, single submitter. Criteria: LabCorp Variant Classification Summary - May 2015. Collection method: clinical testing. Allele origin: germline.
Comment: Variant summary: ATP6V0A2 c.1529G>T (p.Arg510Ile) results in a non-conservative amino acid change in the encoded protein sequence. Four of five in-silico tools predict a benign effect of the variant on protein function. The variant allele was found at a frequency of 4e-06 in 251490 control chromosomes. The available data on variant occurrences in the general population are insufficient to allow any conclusion about variant significance. c.1529G>T has been reported in the literature in a homozygous individuals affected with Cutis Laxa - ATP6V0A2 Related who also carries a homozygous variant in this gene (c.1529G>T, p.Arg510Ile) (Hucthagowder_2009, Van Damme_2017). These report(s) do not provide unequivocal conclusions about association of the variant with disease. To our knowledge, no experimental evidence demonstrating an impact on protein function has been reported. The following publications have been ascertained in the context of this evaluation (PMID: 19321599, 28065471). No submitters have cited clinical-significance assessments for this variant to ClinVar. Based on the evidence outlined above, the variant was classified as uncertain significance.

Literature cited by the submitters: PubMed 19321599; PubMed 28065471.